The following is an entry in ClinVar:

ClinVar aggregate classification (germline): Uncertain significance. Review status: criteria provided, multiple submitters, no conflicts (2 of 4 stars). 2 submissions from 2 submitters: Uncertain significance (2). Last evaluated 2025-11-19.

Allele frequency attached by ClinVar (database versions not stated): gnomAD exomes 0.00005 and 0.00006; ExAC 0.00007; gnomAD 0.00007 and 0.00008; TOPMed 0.00009; 1000 Genomes Project 30x 0.00016; 1000 Genomes Project 0.00020.
gnomAD v4.1: 84 of 1,613,982 alleles (0.0052%); highest among the groups gnomAD compares: East Asian, 0.016%; no homozygotes.

Submissions (2):

Labcorp Genetics (formerly Invitae), Labcorp
Classification: Uncertain significance. Last evaluated: 2025-11-19. Review status: criteria provided, single submitter. Criteria: Invitae Variant Classification Sherloc (09022015). Collection method: clinical testing. Allele origin: germline.
Comment: This sequence change replaces alanine, which is neutral and non-polar, with threonine, which is neutral and polar, at codon 101 of the SPP2 protein (p.Ala101Thr). This variant is present in population databases (rs74975266, gnomAD 0.02%). This variant has not been reported in the literature in individuals affected with SPP2-related conditions. ClinVar contains an entry for this variant (Variation ID: 1024536). An algorithm developed to predict the effect of missense changes on protein structure and function outputs the following: PolyPhen-2: "Benign". The threonine amino acid residue is found in multiple mammalian species, which suggests that this missense change does not adversely affect protein function. In summary, the available evidence is currently insufficient to determine the role of this variant in disease. Therefore, it has been classified as a Variant of Uncertain Significance.

Ambry Genetics
Classification: Uncertain significance. Last evaluated: 2025-04-13. Review status: criteria provided, single submitter. Criteria: Ambry Variant Classification Scheme 2023. Collection method: clinical testing. Allele origin: germline.

NM_006944.3(SPP2):c.301G>A (p.Ala101Thr)

Gene: SPP2 (secreted phosphoprotein 2; plus strand). Cytogenetic location: 2q37.1.
Variant type: single nucleotide variant.
Coding change: c.301G>A on transcript NM_006944.3 (MANE Select); coding-DNA position 301, G replaced by A.
Protein change: p.Ala101Thr; replaces alanine 101 with threonine.
Molecular consequence: missense variant.
Genome position (GRCh38, 1-based): chr2:234,058,926, G>A. VCF-style: chr2-234058926-G-A. GRCh37 (hg19) VCF-style: chr2-234967570-G-A.
Other names: c.301G>A (NM_006944.2); short protein forms A101T.
Identifiers: ClinVar variation 1024536 (VCV001024536.12), dbSNP rs74975266, ClinGen allele CA2183145.